The following is an entry in ClinVar:

ClinVar aggregate classification (germline): Uncertain significance (1 of 4 stars; one submission).

Submission:

Women's Health and Genetics/Laboratory Corporation of America, LabCorp
Classification: Uncertain significance. Last evaluated: 2021-01-22. Review status: criteria provided, single submitter. Criteria: LabCorp Variant Classification Summary - May 2015. Collection method: clinical testing. Allele origin: germline.
Comment: Variant summary: STAT3 c.1919_1920delinsTT (p.Tyr640Phe) results in a conservative amino acid change located in the SH2 domain of the encoded protein sequence. Three of five in-silico tools predict a benign effect of the variant on protein function. The variant was absent in 282896 control chromosomes. The available data on variant occurrences in the general population are insufficient to allow any conclusion about variant significance. To our knowledge, no occurrences of c.1919_1920delinsTT have been reported in individuals affected with Hyper IgE Syndrome. However, a different variant, c.1919A>T, which encodes the same amino acid change (p.Tyr640Phe) has been reported as a germline mutation in one individual affected with Evans Syndrome (e.g. Hadjadj_2019). This report does not provide unequivocal conclusions about association of the variant with Hyper IgE Syndrome. The p.Tyr640Phe variant (reported as c.1919A>T or c. name not specified) has also been frequently reported as a somatic mutation in individuals affected with lymphomas (e.g. Koskela_2012, Jerez_2012, Crescenzo_2015) and other cancer phenotypes, including hepatocellular carcinoma (e.g. Pilati_2011), Myelodysplastic Syndrome (e.g. Jerez_2013), and Aplastic Anemia (e.g. Jerez_2013). The c.1919A>T, p.Tyr640Phe variant has also been reported as a somatic mutation in at least one patient affected with Lymphocytic-variant Hypereosinophilic Syndrome. Of note, this individual was reported to have highly elevated levels of IgE (1563 U/L; reference range of 14-22 U/L), suggesting that somatic occurrence of p.Tyr640Phe may be associated with a HyperIgE phenotype (e.g. Walker_2016). Multiple functional studies report that p.Tyr640Phe results in a gain-of-function of STAT3 transcriptional activity (e.g. Pilati_2011, Koskela_2012, Crescenzo_2015, Kuusanmaki_2017, Mori_2017, Prestipino_2018, Bahal_2019, Ding_2019, Parri_2020) in association with cancer phenotypes. It is not clear, however, whether this gain-of-function in transcriptional activity would support a pathogenic role in Hyper IgE Syndrome as a germline variant. No clinical diagnostic laboratories have submitted clinical-significance assessments for the c.1919_1920delinsTT variant to ClinVar after 2014. However, two other laboratories have submitted assessments after 2014 for c.1919A>T, encoding the same amino acid change, when germline in origin (uncertain significance, n=1; pathogenic, n=1). Our laboratory has previously classified c.1919A>T as VUS- possibly pathogenic in the context of causality for Hyper IgE Syndrome. Based on the evidence outlined above, until additional information becomes available to determine its role in the Hyper IgE phenotype, c.1919_1920delinsTT is classified as VUS-possibly pathogenic.

Literature cited by the submitters: PubMed 22591296; PubMed 25873174; PubMed 21690253; PubMed 26702067; PubMed 23926297; PubMed 22859607; PubMed 31737384; PubMed 32428506; PubMed 30940614; PubMed 29228628; PubMed 29162862; PubMed 32231398; PubMed 29467301.

NM_139276.3(STAT3):c.1919_1920delinsTT (p.Tyr640Phe)

Gene: STAT3 (signal transducer and activator of transcription 3; minus strand). Cytogenetic location: 17q21.2.
Variant type: Indel.
Coding change: c.1919_1920delinsTT on transcript NM_139276.3 (MANE Select); coding-DNA positions 1919 to 1920, AC replaced by TT.
Protein change: p.Tyr640Phe; replaces tyrosine 640 with phenylalanine.
Molecular consequence: missense variant.
Genome position (GRCh38, 1-based): chr17:42,322,463-42,322,464, GT replaced by AA on the plus strand (AC replaced by TT on the coding strand, the reverse complement: STAT3 is on the minus strand). VCF-style: chr17-42322463-GT-AA. GRCh37 (hg19) VCF-style: chr17-40474481-GT-AA.
Other names: c.1919_1920delinsTT, p.Tyr640Phe (NM_001369512.1, NM_001369513.1, NM_001369514.1 and 9 more transcripts); c.1835_1836delinsTT, p.Tyr612Phe (NM_001384984.1); c.1841_1842delinsTT, p.Tyr614Phe (NM_001384985.1); c.1934_1935delinsTT, p.Tyr645Phe (NM_001384986.1, NM_001384990.1); c.1898_1899delinsTT, p.Tyr633Phe (NM_001384987.1); c.1823_1824delinsTT, p.Tyr608Phe (NM_001384989.1); c.1892_1893delinsTT, p.Tyr631Phe (NM_001384991.1); c.1859_1860delinsTT, p.Tyr620Phe (NM_001384992.1); short protein forms Y608F, Y612F, Y614F, Y620F, Y631F, Y633F, Y640F, Y645F.
Identifiers: ClinVar variation 996300 (VCV000996300.1), dbSNP rs2081522163, ClinGen allele CA2260430749.